The following is an entry in ClinVar:

NM_000392.5(ABCC2):c.867+8T>C

Gene: ABCC2 (ATP binding cassette subfamily C member 2; plus strand). Cytogenetic location: 10q24.2.
Variant type: single nucleotide variant.
Coding change: c.867+8T>C on transcript NM_000392.5 (MANE Select); 8 bases into the intron after coding-DNA position 867, T replaced by C.
Molecular consequence: intron variant.
Genome position (GRCh38, 1-based): chr10:99,797,339, T>C. VCF-style: chr10-99797339-T-C. GRCh37 (hg19) VCF-style: chr10-101557096-T-C.
Other names: p.?; c.867+8T>C (LRG_1208t1).
Identifiers: ClinVar variation 198420 (VCV000198420.11), dbSNP rs74152764, ClinGen allele CA203407.

ClinVar aggregate classification (germline): Benign/Likely benign. Review status: criteria provided, multiple submitters, no conflicts (2 of 4 stars). 4 submissions from 4 submitters: Benign (2); Likely benign (2). Last evaluated 2025-09-26.

Allele frequency attached by ClinVar (database versions not stated): gnomAD exomes 0.00011 and 0.00022; ExAC 0.00040; ESP Exome Variant Server 0.00085; gnomAD 0.00119 and 0.00127; TOPMed 0.00119; 1000 Genomes Project 0.00260; 1000 Genomes Project 30x 0.00265.

Submissions (4):

Mayo Clinic Laboratories, Mayo Clinic
Classification: Likely benign. Last evaluated: 2025-09-26. Review status: criteria provided, single submitter. Criteria: ACMG Guidelines, 2015. Collection method: clinical testing. Allele origin: germline. Observed: 4 variant alleles.
Comment: BS1, BP4, BP7

Labcorp Genetics (formerly Invitae), Labcorp
Classification: Benign. Last evaluated: 2024-10-21. Review status: criteria provided, single submitter. Criteria: Invitae Variant Classification Sherloc (09022015). Collection method: clinical testing. Allele origin: germline.

Blueprint Genetics
Classification: Likely benign. Last evaluated: 2024-08-06. Review status: criteria provided, single submitter. Criteria: ACMG Guidelines, 2015. Collection method: clinical testing. Allele origin: germline.

Eurofins Ntd Llc (ga)
Classification: Benign. Last evaluated: 2014-12-02. Review status: criteria provided, single submitter. Criteria: EGL Classification Definitions 2015. Collection method: clinical testing. Allele origin: germline. Observed: 1 variant allele, 1 heterozygote.